The following is an entry in ClinVar:

NM_005751.5(AKAP9):c.11546+185C>T

Gene: AKAP9 (A-kinase anchoring protein 9; plus strand). Cytogenetic location: 7q21.2.
Variant type: single nucleotide variant.
Coding change: c.11546+185C>T on transcript NM_005751.5 (MANE Select); 185 bases into the intron after coding-DNA position 11546, C replaced by T.
Molecular consequence: intron variant.
Genome position (GRCh38, 1-based): chr7:92,107,607, C>T. VCF-style: chr7-92107607-C-T. GRCh37 (hg19) VCF-style: chr7-91736921-C-T.
Other names: NC_000007.13:g.91736921C>T; c.11522+185C>T (NM_147185.3); c.6191+185C>T (NM_001379277.1).
Identifiers: ClinVar variation 671889 (VCV000671889.3), dbSNP rs10257832, ClinGen allele CA12475512.

ClinVar aggregate classification (germline): Benign. Review status: criteria provided, multiple submitters, no conflicts (2 of 4 stars). 2 submissions from 2 submitters: Benign (2). Last evaluated 2018-06-14.

Allele frequency attached by ClinVar (database versions not stated): 1000 Genomes Project 0.36861; 1000 Genomes Project 30x 0.37227; gnomAD 0.39296; TOPMed 0.40722.
gnomAD v4.1: 223,184 of 578,374 alleles (39%); highest among the groups gnomAD compares: African/African-American, 48%; 44,634 homozygotes.

Submissions (9):

GeneDx
Classification: Benign. Last evaluated: 2018-06-14. Review status: criteria provided, single submitter. Criteria: GeneDx Variant Classification (06012015). Collection method: clinical testing. Allele origin: germline. Affected: yes.
Comment: This variant is considered likely benign or benign based on one or more of the following criteria: it is a conservative change, it occurs at a poorly conserved position in the protein, it is predicted to be benign by multiple in silico algorithms, and/or has population frequency not consistent with disease.

Breakthrough Genomics
Classification: Benign. Review status: criteria provided, single submitter. Criteria: ACMG Guidelines, 2015. Collection method: not provided. Allele origin: germline. Inheritance: Autosomal dominant inheritance. Affected: yes.

Dr. Peter K. Rogan Lab, Western University
No classification provided (evidence only). Condition: Cholangiocarcinoma. Review status: no classification provided. Collection method: in vitro. Allele origin: not applicable. Functional consequence: skipped exon. Not counted in ClinVar's aggregate classification.

Dr. Peter K. Rogan Lab, Western University
No classification provided (evidence only). Condition: Cholangiocarcinoma. Review status: no classification provided. Collection method: in vitro. Allele origin: not applicable. Functional consequence: skipped exon. Not counted in ClinVar's aggregate classification.

Dr. Peter K. Rogan Lab, Western University
No classification provided (evidence only). Condition: Cholangiocarcinoma. Review status: no classification provided. Collection method: in vitro. Allele origin: not applicable. Functional consequence: retained intron. Not counted in ClinVar's aggregate classification.

Dr. Peter K. Rogan Lab, Western University
No classification provided (evidence only). Condition: Cholangiocarcinoma. Review status: no classification provided. Collection method: in vitro. Allele origin: not applicable. Functional consequence: skipped exon. Not counted in ClinVar's aggregate classification.

Dr. Peter K. Rogan Lab, Western University
No classification provided (evidence only). Condition: Cholangiocarcinoma. Review status: no classification provided. Collection method: in vitro. Allele origin: not applicable. Functional consequence: skipped exon. Not counted in ClinVar's aggregate classification.

Dr. Peter K. Rogan Lab, Western University
No classification provided (evidence only). Condition: Gastric cancer. Review status: no classification provided. Collection method: in vitro. Allele origin: not applicable. Functional consequence: retained intron. Not counted in ClinVar's aggregate classification.

Dr. Peter K. Rogan Lab, Western University
No classification provided (evidence only). Condition: Gastric cancer. Review status: no classification provided. Collection method: in vitro. Allele origin: not applicable. Functional consequence: retained intron. Not counted in ClinVar's aggregate classification.